The following is an entry in ClinVar:

ClinVar aggregate classification (germline): Uncertain significance (1 of 4 stars; one submission).

Allele frequency attached by ClinVar (database versions not stated): ExAC 0.00011.
gnomAD v4.1: 4 of 1,509,242 alleles (0.00027%); highest among the groups gnomAD compares: Admixed American, 0.0043%; no homozygotes.

Submission:

Labcorp Genetics (formerly Invitae), Labcorp
Classification: Uncertain significance. Last evaluated: 2021-07-10. Review status: criteria provided, single submitter. Criteria: Invitae Variant Classification Sherloc (09022015). Collection method: clinical testing. Allele origin: germline.
Comment: This sequence change replaces proline with serine at codon 95 of the COQ2 protein (p.Pro95Ser). The proline residue is moderately conserved and there is a moderate physicochemical difference between proline and serine. The frequency data for this variant in the population databases is considered unreliable, as metrics indicate poor data quality at this position in the ExAC database. This variant has not been reported in the literature in individuals affected with COQ2-related conditions. Algorithms developed to predict the effect of missense changes on protein structure and function (SIFT, PolyPhen-2, Align-GVGD) all suggest that this variant is likely to be tolerated. In summary, the available evidence is currently insufficient to determine the role of this variant in disease. Therefore, it has been classified as a Variant of Uncertain Significance.

NM_001358921.2(COQ2):c.133C>T (p.Pro45Ser)

Genes: COQ2 (coenzyme Q2, polyprenyltransferase; minus strand), LOC112997540 (Sharpr-MPRA regulatory region 13773; plus strand). Cytogenetic location: 4q21.23.
Variant type: single nucleotide variant.
Coding change: c.133C>T on transcript NM_001358921.2 (MANE Select); coding-DNA position 133, C replaced by T.
Protein change: p.Pro45Ser; replaces proline 45 with serine.
Molecular consequence: missense variant.
Genome position (GRCh38, 1-based): chr4:83,284,632, G>A on the plus strand (C>T on the coding strand, the complement: COQ2 is on the minus strand). VCF-style: chr4-83284632-G-A. GRCh37 (hg19) VCF-style: chr4-84205785-G-A.
Other names: c.283C>T, p.Pro95Ser (NM_015697.9); short protein forms P45S, P95S.
Identifiers: ClinVar variation 1380545 (VCV001380545.8), dbSNP rs772952822, ClinGen allele CA2988681.
Genomic context (GRCh38, chr4:83,284,632, plus strand): 5'-CCACCACCGCCGCCGCGGACAAACTGAGCTGGCGCCCGCGCGGCTCGGGACAGGCGGGGG[G>A]CTGCAAGTCACCACCGTGGGGCGCGCCTGCCGCACGCGCCAGGGCGAAGGAGCGGCCCCG-3'
Protein context (NP_001345850.1, residues 35-55): AGAPHGGDLQ[Pro45Ser]PACPEPRGRQ